The following is an entry in ClinVar:

ClinVar aggregate classification (germline): Uncertain significance (1 of 4 stars; one submission).

Submission:

Dasa
Classification: Uncertain significance. Last evaluated: 2025-04-16. Review status: criteria provided, single submitter. Criteria: DASA Assertion Criteria. Collection method: clinical testing. Allele origin: germline.
Comment: NM_000489.6(ATRX):c.3057A>C (p.Leu1019Phe) is a missense variant that results in the substitution of leucine with phenylalanine. This variant is absent from population databases. Computational prediction algorithms are consistent with a benign effect. The currently available literature and clinical evidence are not sufficient to establish a definitive association between this variant and the reported condition. Therefore, this variant is classified as a variant of uncertain significance.

NM_000489.6(ATRX):c.3057A>C (p.Leu1019Phe)

Gene: ATRX (ATRX chromatin remodeler; minus strand). Cytogenetic location: Xq21.1.
Variant type: single nucleotide variant.
Coding change: c.3057A>C on transcript NM_000489.6 (MANE Select); coding-DNA position 3057, A replaced by C.
Protein change: p.Leu1019Phe; replaces leucine 1019 with phenylalanine.
Molecular consequence: missense variant.
Genome position (GRCh38, 1-based): chrX:77,682,199, T>G on the plus strand (A>C on the coding strand, the complement: ATRX is on the minus strand). VCF-style: chrX-77682199-T-G. GRCh37 (hg19) VCF-style: chrX-76937691-T-G.
Other names: c.2943A>C, p.Leu981Phe (NM_138270.5); short protein forms L1019F, L981F.
Identifiers: ClinVar variation 4852688 (VCV004852688.2).